The following is an entry in ClinVar:

NM_001942.4(DSG1):c.684+3A>C

Gene: DSG1 (desmoglein 1; plus strand). Cytogenetic location: 18q12.1.
Variant type: single nucleotide variant.
Coding change: c.684+3A>C on transcript NM_001942.4 (MANE Select); 3 bases into the intron after coding-DNA position 684, A replaced by C.
Molecular consequence: intron variant.
Genome position (GRCh38, 1-based): chr18:31,331,870, A>C. VCF-style: chr18-31331870-A-C. GRCh37 (hg19) VCF-style: chr18-28911833-A-C.
Identifiers: ClinVar variation 1981023 (VCV001981023.4), dbSNP rs1404107113, ClinGen allele CA778437258.

ClinVar aggregate classification (germline): Uncertain significance (1 of 4 stars; one submission).

Allele frequency attached by ClinVar (database versions not stated): TOPMed below 0.00001; gnomAD exomes 0.00002.
gnomAD v4.1: 21 of 1,611,184 alleles (0.0013%); highest among the groups gnomAD compares: Non-Finnish European, 0.0018%; no homozygotes.

Submission:

Labcorp Genetics (formerly Invitae), Labcorp
Classification: Uncertain significance. Last evaluated: 2023-01-29. Review status: criteria provided, single submitter. Criteria: Invitae Variant Classification Sherloc (09022015). Collection method: clinical testing. Allele origin: germline.
Comment: Variants that disrupt the consensus splice site are a relatively common cause of aberrant splicing (PMID: 17576681, 9536098). Algorithms developed to predict the effect of sequence changes on RNA splicing suggest that this variant may disrupt the consensus splice site. In summary, the available evidence is currently insufficient to determine the role of this variant in disease. Therefore, it has been classified as a Variant of Uncertain Significance. This variant has not been reported in the literature in individuals affected with DSG1-related conditions. This variant is not present in population databases (gnomAD no frequency). This sequence change falls in intron 6 of the DSG1 gene. It does not directly change the encoded amino acid sequence of the DSG1 protein. It affects a nucleotide within the consensus splice site.

Literature cited by the submitters: PubMed 17576681; PubMed 9536098.